The following is an entry in ClinVar:

ClinVar aggregate classification (germline): Uncertain significance (1 of 4 stars; one submission).

Conditions:
Combined immunodeficiency due to DOCK8 deficiency (HIES2). Also called: HIES autosomal recessive; Hyper-IgE recurrent infection syndrome, autosomal recessive; HYPER-IgE RECURRENT INFECTION SYNDROME 2, AUTOSOMAL RECESSIVE; HYPER-IgE SYNDROME 2, AUTOSOMAL RECESSIVE, WITH RECURRENT INFECTIONS; DOCK8 Deficiency. Identifiers: Orphanet 217390, MedGen C4722305, MONDO:0009478, OMIM 243700.

Submission:

Labcorp Genetics (formerly Invitae), Labcorp
Classification: Uncertain significance for Combined immunodeficiency due to DOCK8 deficiency. Last evaluated: 2022-10-05. Review status: criteria provided, single submitter. Criteria: Invitae Variant Classification Sherloc (09022015). Collection method: clinical testing. Allele origin: germline.
Comment: This sequence change replaces glutamic acid, which is acidic and polar, with aspartic acid, which is acidic and polar, at codon 1908 of the DOCK8 protein (p.Glu1908Asp). This variant is not present in population databases (gnomAD no frequency). This variant has not been reported in the literature in individuals affected with DOCK8-related conditions. ClinVar contains an entry for this variant (Variation ID: 1386498). Advanced modeling of protein sequence and biophysical properties (such as structural, functional, and spatial information, amino acid conservation, physicochemical variation, residue mobility, and thermodynamic stability) performed at Invitae indicates that this missense variant is not expected to disrupt DOCK8 protein function. In summary, the available evidence is currently insufficient to determine the role of this variant in disease. Therefore, it has been classified as a Variant of Uncertain Significance.

NM_203447.4(DOCK8):c.5724G>C (p.Glu1908Asp)

Gene: DOCK8 (dedicator of cytokinesis 8; plus strand). Cytogenetic location: 9p24.3.
Variant type: single nucleotide variant.
Coding change: c.5724G>C on transcript NM_203447.4 (MANE Select); coding-DNA position 5724, G replaced by C.
Protein change: p.Glu1908Asp; replaces glutamic acid 1908 with aspartic acid.
Molecular consequence: missense variant.
Genome position (GRCh38, 1-based): chr9:446,513, G>C. VCF-style: chr9-446513-G-C. GRCh37 (hg19) VCF-style: chr9-446513-G-C.
Other names: c.5424G>C, p.Glu1808Asp (NM_001190458.2); c.5520G>C, p.Glu1840Asp (NM_001193536.2); short protein forms E1808D, E1908D, E1840D.
Identifiers: ClinVar variation 1386498 (VCV001386498.6), dbSNP rs2057265395, ClinGen allele CA372769073.